The following is an entry in ClinVar:

ClinVar aggregate classification (germline): Conflicting classifications of pathogenicity. Review status: criteria provided, conflicting classifications (1 of 4 stars). 2 submissions from 2 submitters: Uncertain significance (1); Likely benign (1). Last evaluated 2022-03-16.

Conditions:
Inborn genetic diseases. Identifiers: MedGen C0950123, MeSH D030342.

Allele frequency attached by ClinVar (database versions not stated): gnomAD 0.00006; gnomAD exomes 0.00014; TOPMed 0.00012; 1000 Genomes Project 0.00020; ExAC 0.00009; 1000 Genomes Project 30x 0.00016.
gnomAD v4.1: 106 of 1,611,158 alleles (0.0066%); highest among the groups gnomAD compares: East Asian, 0.19%; no homozygotes.

Submissions (2):

Labcorp Genetics (formerly Invitae), Labcorp
Classification: Uncertain significance. Last evaluated: 2022-03-16. Review status: criteria provided, single submitter. Criteria: Invitae Variant Classification Sherloc (09022015). Collection method: clinical testing. Allele origin: germline.
Comment: This sequence change replaces asparagine, which is neutral and polar, with aspartic acid, which is acidic and polar, at codon 71 of the MPDZ protein (p.Asn71Asp). This variant is present in population databases (rs191190036, gnomAD 0.2%). This variant has not been reported in the literature in individuals affected with MPDZ-related conditions. Algorithms developed to predict the effect of missense changes on protein structure and function output the following: SIFT: "Tolerated"; PolyPhen-2: "Benign"; Align-GVGD: "Class C0". The aspartic acid amino acid residue is found in multiple mammalian species, which suggests that this missense change does not adversely affect protein function. In summary, the available evidence is currently insufficient to determine the role of this variant in disease. Therefore, it has been classified as a Variant of Uncertain Significance.

Ambry Genetics
Classification: Likely benign for Inborn genetic diseases. Last evaluated: 2021-09-01. Review status: criteria provided, single submitter. Criteria: Ambry Variant Classification Scheme 2023. Collection method: clinical testing. Allele origin: germline.

NM_001378778.1(MPDZ):c.211A>G (p.Asn71Asp)

Gene: MPDZ (multiple PDZ domain crumbs cell polarity complex component; minus strand). Cytogenetic location: 9p23.
Variant type: single nucleotide variant.
Coding change: c.211A>G on transcript NM_001378778.1 (MANE Select); coding-DNA position 211, A replaced by G.
Protein change: p.Asn71Asp; replaces asparagine 71 with aspartic acid.
Molecular consequence: missense variant.
Genome position (GRCh38, 1-based): chr9:13,224,556, T>C on the plus strand (A>G on the coding strand, the complement: MPDZ is on the minus strand). VCF-style: chr9-13224556-T-C. GRCh37 (hg19) VCF-style: chr9-13224555-T-C.
Other names: c.211A>G, p.Asn71Asp (NM_001261406.2, NM_001261407.2, NM_001330637.2 and 14 more transcripts); c.211A>G (NM_003829.3); short protein forms N71D.
Identifiers: ClinVar variation 1392053 (VCV001392053.4), dbSNP rs191190036, ClinGen allele CA4988186.